The following is an entry in ClinVar:

NM_016239.4(MYO15A):c.2311del (p.Ser771fs)

Gene: MYO15A (myosin XVA; plus strand). Cytogenetic location: 17p11.2.
Variant type: Deletion.
Coding change: c.2311del on transcript NM_016239.4 (MANE Select); coding-DNA position 2311, one base deleted (T; older notation c.2311delT).
Protein change: p.Ser771fs; shifts the reading frame from serine 771.
Molecular consequence: frameshift variant.
Genome position (GRCh38, 1-based): chr17:18,121,111, T deleted. VCF-style (leftmost placement, unchanged base first): chr17-18121110-GT-G. GRCh37 (hg19) VCF-style: chr17-18024424-GT-G.
Other names: c.2311del (NM_016239.3); c.2311delT (NM_016239.3); short protein forms S771fs.
Identifiers: ClinVar variation 504879 (VCV000504879.12), dbSNP rs754865266, ClinGen allele CA8423244.
Genomic context (GRCh38, chr17:18,121,110, plus strand): 5'-GAGAGGGGCGGCTTTCGGCTTCCCCGGGGCCTCTCCACGGGCGTCGCGGAGGCGAGCTTG[GT>G]CACCGCTGGCCTCGCCCCAGCCCTCGCTGAGGAGCTCGCCGGGCCTCGGCTACTGCTCAC-3'

ClinVar aggregate classification (germline): Pathogenic/Likely pathogenic. Review status: criteria provided, multiple submitters, no conflicts (2 of 4 stars). 5 submissions from 5 submitters: Pathogenic (4); Likely pathogenic (1). Last evaluated 2025-09-03.

Conditions:
Autosomal recessive nonsyndromic hearing loss 3. Also called: NEUROSENSORY NONSYNDROMIC RECESSIVE DEAFNESS 3. Identifiers: Orphanet 90636, MedGen C1838263, MONDO:0010860, OMIM 600316.
Rare genetic deafness. Identifiers: Orphanet 96210, MedGen C5680250.

Allele frequency attached by ClinVar (database versions not stated): gnomAD 0.00002; TOPMed 0.00004; gnomAD exomes 0.00005 and 0.00008; ExAC 0.00010.

Submissions (5):

Variantyx, Inc.
Classification: Likely pathogenic for Autosomal recessive nonsyndromic hearing loss 3. Last evaluated: 2025-09-03. Review status: criteria provided, single submitter. Criteria: Variantyx Assertion Criteria 2022. Collection method: clinical testing. Allele origin: germline. Inheritance: Autosomal recessive inheritance. Affected: no.
Comment: This is a frameshift variant in the MYO15A gene (OMIM: 602666). Pathogenic variants in this gene have been associated with autosomal recessive deafness 3. This variant introduces a premature termination codon in exon 2 out of 66and is expected to result in loss of function, which is a known disease mechanism for MYO15A in this disorder (PVS1) (PMID:9603736;17851452). This variant has a 0.0050% maximum allele frequency in non-founder control populations (PM2). Based on the current evidence, this variant is classified as likely pathogenic for autosomal recessive deafness 3.

Labcorp Genetics (formerly Invitae), Labcorp
Classification: Pathogenic. Last evaluated: 2024-05-19. Review status: criteria provided, single submitter. Criteria: Invitae Variant Classification Sherloc (09022015). Collection method: clinical testing. Allele origin: germline.
Comment: This sequence change creates a premature translational stop signal (p.Ser771Hisfs*10) in the MYO15A gene. It is expected to result in an absent or disrupted protein product. Loss-of-function variants in MYO15A are known to be pathogenic (PMID: 17546645). This variant is present in population databases (rs754865266, gnomAD 0.08%). This variant has not been reported in the literature in individuals affected with MYO15A-related conditions. ClinVar contains an entry for this variant (Variation ID: 504879). For these reasons, this variant has been classified as Pathogenic.

GeneDx
Classification: Pathogenic. Last evaluated: 2023-05-26. Review status: criteria provided, single submitter. Criteria: GeneDx Variant Classification Process June 2021. Collection method: clinical testing. Allele origin: germline. Affected: yes.
Comment: Frameshift variant predicted to result in protein truncation or nonsense mediated decay in a gene for which loss-of-function is a known mechanism of disease; This variant is associated with the following publications: (PMID: 31589614, 31980526)

Laboratory for Molecular Medicine, Mass General Brigham Personalized Medicine
Classification: Pathogenic for Rare genetic deafness. Last evaluated: 2017-10-31. Review status: criteria provided, single submitter. Criteria: LMM Criteria. Collection method: clinical testing. Allele origin: germline. Inheritance: Autosomal recessive inheritance. Observed: 2 variant alleles.
Comment: The p.Ser771fs variant in MYO15A has not been previously reported in individuals with hearing loss, but it has been identified in 0.1% (6/7432) of Ashkenazi Jew ish chromosomes by the Genome Aggregation Database (gnomAD; dbSNP rs754865266). Although this variant has been seen in the ge neral population, its frequency is low enough to be consistent with a recessive carrier frequency. This variant is predicted to cause a frameshift, which alter s the protein?s amino acid sequence beginning at position 771 and leads to a pre mature termination codon 10 amino acids downstream. This alteration is then pred icted to lead to a truncated or absent protein. In summary, this variant meets o ur criteria to be classified as pathogenic for hearing loss in an autosomal rece ssive manner based on the predicted impact of the variant. ACMG/AMP Criteria app lied: PVS1, PM2, PM3_Supporting (Richards 2015).

Clinical Genetics Service, Universitary Hospital 12 de Octubre
Classification: Pathogenic for Autosomal recessive nonsyndromic hearing loss 3. Review status: criteria provided, single submitter. Criteria: ACMG Guidelines, 2015. Collection method: clinical testing. Allele origin: germline. Affected: yes.

Literature cited by the submitters: PubMed 9603736 (cited by Variantyx, Inc.); PubMed 17851452 (cited by Variantyx, Inc.); PubMed 17546645 (cited by Labcorp Genetics (formerly Invitae), Labcorp).